The following is an entry in ClinVar:

NM_024422.6(DSC2):c.474+2T>A

Gene: DSC2 (desmocollin 2; minus strand). Cytogenetic location: 18q12.1.
Variant type: single nucleotide variant.
Coding change: c.474+2T>A on transcript NM_024422.6 (MANE Select); the canonical splice donor site of the intron after coding-DNA position 474, T replaced by A.
Molecular consequence: splice donor variant.
Genome position (GRCh38, 1-based): chr18:31,091,026, A>T on the plus strand (T>A on the coding strand, the complement: DSC2 is on the minus strand). VCF-style: chr18-31091026-A-T. GRCh37 (hg19) VCF-style: chr18-28670989-A-T.
Other names: c.474+2T>A (NM_004949.5); c.45+2T>A (NM_001406506.1, NM_001406507.1).
Identifiers: ClinVar variation 961444 (VCV000961444.10), dbSNP rs1430478589, ClinGen allele CA402114018.

ClinVar aggregate classification (germline): Likely pathogenic (1 of 4 stars; one submission).

Conditions:
Arrhythmogenic right ventricular dysplasia 11. Also called: Arrhythmogenic Right Ventricular Dysplasia/Cardiomyopathy11; ARRHYTHMOGENIC RIGHT VENTRICULAR DYSPLASIA, FAMILIAL, 11; Arrhythmogenic right ventricular dysplasia 11 with mild palmoplantar keratoderma and woolly hair. Identifiers: MedGen C1864850, MONDO:0012506, OMIM 610476.

Submission:

Labcorp Genetics (formerly Invitae), Labcorp
Classification: Likely pathogenic for Arrhythmogenic right ventricular dysplasia 11. Last evaluated: 2020-12-07. Review status: criteria provided, single submitter. Criteria: Invitae Variant Classification Sherloc (09022015). Collection method: clinical testing. Allele origin: germline.
Comment: In summary, the currently available evidence indicates that the variant is pathogenic, but additional data are needed to prove that conclusively. Therefore, this variant has been classified as Likely Pathogenic. Algorithms developed to predict the effect of sequence changes on RNA splicing suggest that this variant may disrupt the consensus splice site, but this prediction has not been confirmed by published transcriptional studies. This variant has not been reported in the literature in individuals with DSC2-related conditions. ClinVar contains an entry for this variant (Variation ID: 961444). This variant is not present in population databases (ExAC no frequency). This sequence change affects a donor splice site in intron 4 of the DSC2 gene. It is expected to disrupt RNA splicing. Variants that disrupt the donor or acceptor splice site typically lead to a loss of protein function (PMID: 16199547), and loss-of-function variants in DSC2 are known to be pathogenic (PMID: 23911551).

Literature cited by the submitters: PubMed 16199547; PubMed 23911551.